The following is an entry in ClinVar:

NM_001004334.4(GPR179):c.4270T>A (p.Leu1424Met)

Gene: GPR179 (G protein-coupled receptor 179; minus strand). Cytogenetic location: 17q12.
Variant type: single nucleotide variant.
Coding change: c.4270T>A on transcript NM_001004334.4 (MANE Select); coding-DNA position 4270, T replaced by A.
Protein change: p.Leu1424Met; replaces leucine 1424 with methionine.
Molecular consequence: missense variant.
Genome position (GRCh38, 1-based): chr17:38,329,299, A>T on the plus strand (T>A on the coding strand, the complement: GPR179 is on the minus strand). VCF-style: chr17-38329299-A-T. GRCh37 (hg19) VCF-style: chr17-36485182-A-T.
Other names: short protein forms L1424M.
Identifiers: ClinVar variation 1912830 (VCV001912830.4), dbSNP rs1224710235, ClinGen allele CA398877240.
Genomic context (GRCh38, chr17:38,329,299, plus strand): 5'-GAATTGAGACTGCTGAGGGGCCCCGGAAATCTGTACTCTCCCATGGACAAAGAGACTCCA[A>T]GTCTCCTCCCGGTTTCTGTTCTTTCCAAAAGGTTGCTTTCCTGGTTTTCTGCTTTTCCTG-3'
Protein context (NP_001004334.3, residues 1414-1434): FWKEQKPGGD[Leu1424Met]ESLCPWESTD

ClinVar aggregate classification (germline): Uncertain significance (1 of 4 stars; one submission).

Allele frequency attached by ClinVar (database versions not stated): gnomAD exomes below 0.00001; TOPMed 0.00001.

Submission:

Labcorp Genetics (formerly Invitae), Labcorp
Classification: Uncertain significance. Last evaluated: 2022-05-17. Review status: criteria provided, single submitter. Criteria: Invitae Variant Classification Sherloc (09022015). Collection method: clinical testing. Allele origin: germline.
Comment: In summary, the available evidence is currently insufficient to determine the role of this variant in disease. Therefore, it has been classified as a Variant of Uncertain Significance. Algorithms developed to predict the effect of missense changes on protein structure and function are either unavailable or do not agree on the potential impact of this missense change (SIFT: "Deleterious"; PolyPhen-2: "Benign"; Align-GVGD: "Class C0"). This variant has not been reported in the literature in individuals affected with GPR179-related conditions. This variant is not present in population databases (gnomAD no frequency). This sequence change replaces leucine, which is neutral and non-polar, with methionine, which is neutral and non-polar, at codon 1424 of the GPR179 protein (p.Leu1424Met).